The following is an entry in ClinVar:

ClinVar aggregate classification (germline): Uncertain significance. Review status: criteria provided, multiple submitters, no conflicts (2 of 4 stars). 2 submissions from 2 submitters: Uncertain significance (2). Last evaluated 2022-05-29.

Conditions:
Coenzyme Q10 deficiency, primary, 3 (COQ10D3). Identifiers: Orphanet 255249, MedGen C3553358, MONDO:0013838, OMIM 614652.

gnomAD v4.1: 4 of 1,613,614 alleles (0.00025%); highest among the groups gnomAD compares: African/African-American, 0.004%; no homozygotes.

Submissions (2):

Labcorp Genetics (formerly Invitae), Labcorp
Classification: Uncertain significance. Last evaluated: 2022-05-29. Review status: criteria provided, single submitter. Criteria: Invitae Variant Classification Sherloc (09022015). Collection method: clinical testing. Allele origin: germline.
Comment: In summary, the available evidence is currently insufficient to determine the role of this variant in disease. Therefore, it has been classified as a Variant of Uncertain Significance. This variant has not been reported in the literature in individuals affected with PDSS2-related conditions. This variant is not present in population databases (gnomAD no frequency). This sequence change creates a premature translational stop signal (p.Trp247*) in the PDSS2 gene. It is expected to result in an absent or disrupted protein product. However, the current clinical and genetic evidence is not sufficient to establish whether loss-of-function variants in PDSS2 cause disease.

Revvity Omics, Revvity
Classification: Uncertain significance for Coenzyme Q10 deficiency, primary, 3. Last evaluated: 2020-11-16. Review status: criteria provided, single submitter. Criteria: ACMG Guidelines, 2015. Collection method: clinical testing. Allele origin: germline.

NM_020381.4(PDSS2):c.740G>A (p.Trp247Ter)

Gene: PDSS2 (decaprenyl diphosphate synthase subunit 2; minus strand). Cytogenetic location: 6q21.
Variant type: single nucleotide variant.
Coding change: c.740G>A on transcript NM_020381.4 (MANE Select); coding-DNA position 740, G replaced by A.
Protein change: p.Trp247Ter; replaces tryptophan 247 with a stop codon.
Molecular consequence: nonsense.
Genome position (GRCh38, 1-based): chr6:107,212,245, C>T on the plus strand (G>A on the coding strand, the complement: PDSS2 is on the minus strand). VCF-style: chr6-107212245-C-T. GRCh37 (hg19) VCF-style: chr6-107533449-C-T.
Other names: c.740G>A (NM_020381.3); short protein forms W247*.
Identifiers: ClinVar variation 2040436 (VCV002040436.7), dbSNP rs1412561354, ClinGen allele CA365323205.